The following is an entry in ClinVar:

NM_012213.3(MLYCD):c.343C>T (p.Gln115Ter)

Gene: MLYCD (malonyl-CoA decarboxylase; plus strand). Cytogenetic location: 16q23.3.
Variant type: single nucleotide variant.
Coding change: c.343C>T on transcript NM_012213.3 (MANE Select); coding-DNA position 343, C replaced by T.
Protein change: p.Gln115Ter; replaces glutamine 115 with a stop codon.
Molecular consequence: nonsense.
Genome position (GRCh38, 1-based): chr16:83,899,487, C>T. VCF-style: chr16-83899487-C-T. GRCh37 (hg19) VCF-style: chr16-83933092-C-T.
Other names: short protein forms Q115*.
Identifiers: ClinVar variation 2846964 (VCV002846964.3), dbSNP rs2507371212, ClinGen allele CA396918141.

ClinVar aggregate classification (germline): Pathogenic (1 of 4 stars; one submission).

Conditions:
Deficiency of malonyl-CoA decarboxylase. Also called: Malonic aciduria; MCD deficiency. Identifiers: Orphanet 943, MedGen C0342793, MONDO:0009556, OMIM 248360.

Submission:

Labcorp Genetics (formerly Invitae), Labcorp
Classification: Pathogenic for Deficiency of malonyl-CoA decarboxylase. Last evaluated: 2023-03-18. Review status: criteria provided, single submitter. Criteria: Invitae Variant Classification Sherloc (09022015). Collection method: clinical testing. Allele origin: germline.
Comment: For these reasons, this variant has been classified as Pathogenic. This variant has not been reported in the literature in individuals affected with MLYCD-related conditions. This variant is not present in population databases (gnomAD no frequency). This sequence change creates a premature translational stop signal (p.Gln115*) in the MLYCD gene. It is expected to result in an absent or disrupted protein product. Loss-of-function variants in MLYCD are known to be pathogenic (PMID: 12955715, 17186413).

Literature cited by the submitters: PubMed 12955715; PubMed 17186413.